The following is an entry in ClinVar:

NM_152564.5(VPS13B):c.796del (p.Ile266fs)

Gene: VPS13B (vacuolar protein sorting 13 homolog B; plus strand). Cytogenetic location: 8q22.2.
Variant type: Deletion.
Coding change: c.796del on transcript NM_152564.5 (MANE Select); coding-DNA position 796, one base deleted (A; older notation c.796delA).
Protein change: p.Ile266fs; shifts the reading frame from isoleucine 266.
Molecular consequence: frameshift variant. On other transcripts: non-coding transcript variant (1).
Genome position (GRCh38, 1-based): chr8:99,115,733, A deleted. VCF-style (leftmost placement, unchanged base first): chr8-99115732-TA-T. GRCh37 (hg19) VCF-style: chr8-100127960-TA-T.
Other names: c.796del, p.Ile266fs (NM_015243.3, NM_017890.5, NM_181661.3); short protein forms I266fs.
Identifiers: ClinVar variation 4993290 (VCV004993290.1).

ClinVar aggregate classification (germline): Pathogenic (1 of 4 stars; one submission).

Conditions:
VPS13B-related disorder. Also called: VPS13B-related condition.

Submission:

PreventionGenetics, part of Exact Sciences
Classification: Pathogenic for VPS13B-related condition. Last evaluated: 2025-11-10. Review status: criteria provided, single submitter. Criteria: ACMG Guidelines, 2015. Collection method: clinical testing. Allele origin: germline.
Comment: The VPS13B c.796delA variant is predicted to result in a frameshift and premature protein termination (p.Ile266Serfs*12). To our knowledge, this variant has not been reported in the literature or in a large population database (gnomAD), indicating this variant is rare. Frameshift variants in VPS13B are expected to be pathogenic. This variant is interpreted as pathogenic.